The following is an entry in ClinVar:

ClinVar aggregate classification (germline): Uncertain significance. Review status: criteria provided, multiple submitters, no conflicts (2 of 4 stars). 2 submissions from 2 submitters: Uncertain significance (2). Last evaluated 2025-07-19.

Conditions:
Fanconi anemia (FA). Also called: Fanconi's anemia. Identifiers: Orphanet 84, MedGen C0015625, MeSH D005199, MONDO:0019391.
Inborn genetic diseases. Identifiers: MedGen C0950123, MeSH D030342.

gnomAD v4.1: 1 of 1,614,068 alleles (0.000062%); no homozygotes.

Submissions (2):

Ambry Genetics
Classification: Uncertain significance for Inborn genetic diseases. Last evaluated: 2025-07-19. Review status: criteria provided, single submitter. Criteria: Ambry Variant Classification Scheme 2023. Collection method: clinical testing. Allele origin: germline.
Comment: The p.A129E variant (also known as c.386C>A), located in coding exon 4 of the FANCA gene, results from a C to A substitution at nucleotide position 386. The alanine at codon 129 is replaced by glutamic acid, an amino acid with dissimilar properties. This amino acid position is conserved. In addition, this alteration is predicted to be tolerated by in silico analysis. Based on the available evidence, the clinical significance of this variant remains unclear.

Labcorp Genetics (formerly Invitae), Labcorp
Classification: Uncertain significance for Fanconi anemia. Last evaluated: 2021-01-16. Review status: criteria provided, single submitter. Criteria: Invitae Variant Classification Sherloc (09022015). Collection method: clinical testing. Allele origin: germline.
Comment: Algorithms developed to predict the effect of missense changes on protein structure and function output the following: SIFT: "Tolerated"; PolyPhen-2: "Possibly Damaging"; Align-GVGD: "Class C0". The glutamic acid amino acid residue is found in multiple mammalian species, suggesting that this missense change does not adversely affect protein function. These predictions have not been confirmed by published functional studies and their clinical significance is uncertain. This sequence change replaces alanine with glutamic acid at codon 129 of the FANCA protein (p.Ala129Glu). The alanine residue is weakly conserved and there is a moderate physicochemical difference between alanine and glutamic acid. This variant is not present in population databases (ExAC no frequency). This variant has not been reported in the literature in individuals with FANCA-related conditions. In summary, the available evidence is currently insufficient to determine the role of this variant in disease. Therefore, it has been classified as a Variant of Uncertain Significance.

NM_000135.4(FANCA):c.386C>A (p.Ala129Glu)

Gene: FANCA (FA complementation group A; minus strand). Cytogenetic location: 16q24.3.
Variant type: single nucleotide variant.
Coding change: c.386C>A on transcript NM_000135.4 (MANE Select); coding-DNA position 386, C replaced by A.
Protein change: p.Ala129Glu; replaces alanine 129 with glutamic acid.
Molecular consequence: missense variant.
Genome position (GRCh38, 1-based): chr16:89,810,969, G>T on the plus strand (C>A on the coding strand, the complement: FANCA is on the minus strand). VCF-style: chr16-89810969-G-T. GRCh37 (hg19) VCF-style: chr16-89877377-G-T.
Other names: c.386C>A, p.Ala129Glu (NM_001018112.3, NM_001286167.3, NM_001351830.2); c.386C>A (NM_000135.2); short protein forms A129E.
Identifiers: ClinVar variation 1005170 (VCV001005170.10), dbSNP rs577625130, ClinGen allele CA397480931.